The following is an entry in ClinVar:

NM_000222.3(KIT):c.1105A>C (p.Ser369Arg)

Gene: KIT (KIT proto-oncogene, receptor tyrosine kinase; plus strand). Cytogenetic location: 4q12.
Variant type: single nucleotide variant.
Coding change: c.1105A>C on transcript NM_000222.3 (MANE Select); coding-DNA position 1105, A replaced by C.
Protein change: p.Ser369Arg; replaces serine 369 with arginine.
Molecular consequence: missense variant.
Genome position (GRCh38, 1-based): chr4:54,707,277, A>C. VCF-style: chr4-54707277-A-C. GRCh37 (hg19) VCF-style: chr4-55573443-A-C.
Other names: c.1105A>C, p.Ser369Arg (NM_001093772.2, NM_001385285.1, NM_001385286.1); c.1108A>C, p.Ser370Arg (NM_001385284.1, NM_001385288.1, NM_001385290.1 and 1 more transcripts); short protein forms S369R, S370R.
Identifiers: ClinVar variation 4043752 (VCV004043752.1).

ClinVar aggregate classification (germline): Uncertain significance (1 of 4 stars; one submission).

Conditions:
Hereditary cancer-predisposing syndrome. Also called: Neoplastic Syndromes, Hereditary; Tumor predisposition; Hereditary neoplastic syndrome; Hereditary Cancer Syndrome. Identifiers: Orphanet 140162, MedGen C0027672, MeSH D009386, MONDO:0015356.

Submission:

Ambry Genetics
Classification: Uncertain significance for Hereditary cancer-predisposing syndrome. Last evaluated: 2025-04-05. Review status: criteria provided, single submitter. Criteria: Ambry Variant Classification Scheme 2023. Collection method: clinical testing. Allele origin: germline.
Comment: The p.S369R variant (also known as c.1105A>C), located in coding exon 6 of the KIT gene, results from an A to C substitution at nucleotide position 1105. The serine at codon 369 is replaced by arginine, an amino acid with dissimilar properties. This amino acid position is conserved. In addition, this alteration is predicted to be tolerated by in silico analysis. Based on the available evidence, the clinical significance of this variant remains unclear.